The following is an entry in ClinVar:

NM_001005361.3(DNM2):c.1606G>A (p.Gly536Ser)

Gene: DNM2 (dynamin 2; plus strand). Cytogenetic location: 19p13.2.
Variant type: single nucleotide variant.
Coding change: c.1606G>A on transcript NM_001005361.3 (MANE Select); coding-DNA position 1606, G replaced by A.
Protein change: p.Gly536Ser; replaces glycine 536 with serine.
Molecular consequence: missense variant.
Genome position (GRCh38, 1-based): chr19:10,812,312, G>A. VCF-style: chr19-10812312-G-A. GRCh37 (hg19) VCF-style: chr19-10922988-G-A.
Other names: c.1606G>A, p.Gly536Ser (NM_001005360.3, NM_001190716.2); c.1594G>A, p.Gly532Ser (NM_001005362.3, NM_004945.4); short protein forms G532S, G536S.
Identifiers: ClinVar variation 1017184 (VCV001017184.8), dbSNP rs2072578382, ClinGen allele CA404039511.

ClinVar aggregate classification (germline): Uncertain significance (1 of 4 stars; one submission).

Conditions:
Charcot-Marie-Tooth disease dominant intermediate B (CMTDIB). Also called: Charcot-Marie-Tooth disease dominant intermediate 1; CMT DI1; Charcot-Marie-Tooth disease dominant intermediate I; CHARCOT-MARIE-TOOTH NEUROPATHY, DOMINANT INTERMEDIATE B. Identifiers: Orphanet 100044, Orphanet 228179, MedGen C1847902, MONDO:0011674, OMIM 606482.

Submission:

Labcorp Genetics (formerly Invitae), Labcorp
Classification: Uncertain significance for Charcot-Marie-Tooth disease dominant intermediate B. Last evaluated: 2020-08-29. Review status: criteria provided, single submitter. Criteria: Invitae Variant Classification Sherloc (09022015). Collection method: clinical testing. Allele origin: germline.
Comment: This sequence change replaces glycine with serine at codon 536 of the DNM2 protein (p.Gly536Ser). The glycine residue is highly conserved and there is a small physicochemical difference between glycine and serine. This variant has not been reported in the literature in individuals with DNM2-related conditions. This variant is not present in population databases (ExAC no frequency). In summary, the available evidence is currently insufficient to determine the role of this variant in disease. Therefore, it has been classified as a Variant of Uncertain Significance. Algorithms developed to predict the effect of missense changes on protein structure and function are either unavailable or do not agree on the potential impact of this missense change (SIFT: "Deleterious"; PolyPhen-2: "Probably Damaging"; Align-GVGD: "Class C0").